The following is an entry in ClinVar:

NM_000170.3(GLDC):c.2680A>G (p.Thr894Ala)

Gene: GLDC (glycine decarboxylase; minus strand). Cytogenetic location: 9p24.1.
Variant type: single nucleotide variant.
Coding change: c.2680A>G on transcript NM_000170.3 (MANE Select); coding-DNA position 2680, A replaced by G.
Protein change: p.Thr894Ala; replaces threonine 894 with alanine.
Molecular consequence: missense variant.
Genome position (GRCh38, 1-based): chr9:6,536,222, T>C on the plus strand (A>G on the coding strand, the complement: GLDC is on the minus strand). VCF-style: chr9-6536222-T-C. GRCh37 (hg19) VCF-style: chr9-6536222-T-C.
Other names: short protein forms T894A.
Identifiers: ClinVar variation 3720874 (VCV003720874.3).

ClinVar aggregate classification (germline): Pathogenic/Likely pathogenic. Review status: criteria provided, multiple submitters, no conflicts (2 of 4 stars). 2 submissions from 2 submitters: Pathogenic (1); Likely pathogenic (1). Last evaluated 2026-04-30.

Conditions:
Glycine encephalopathy. Also called: Nonketotic hyperglycinemia; Non-ketotic hyperglycinemia. Identifiers: Orphanet 407, MedGen C0751748, MONDO:0011612, HP:0008288.

Submissions (2):

Women's Health and Genetics/Laboratory Corporation of America, LabCorp
Classification: Likely pathogenic for Glycine encephalopathy. Last evaluated: 2026-04-30. Review status: criteria provided, single submitter. Criteria: LabCorp Variant Classification Summary - May 2015. Collection method: clinical testing. Allele origin: germline.
Comment: Variant summary: GLDC c.2680A>G (p.Thr894Ala) results in a non-conservative amino acid change in the encoded protein sequence. Algorithms developed to predict the effect of missense changes on protein structure and function all suggest that this variant is likely to be disruptive. The variant was absent in 249808 control chromosomes. c.2680A>G has been observed in the compound heterozygous state in trans with a pathogenic variant in three siblings affected with Glycine Encephalopathy (Non-Ketotic Hyperglycinemia) and the variant was found to segregate in the family (e.g. Lin_2018). These data indicate that the variant is likely associated with disease. To our knowledge, no experimental evidence demonstrating an impact on protein function has been reported. The following publication has been ascertained in the context of this evaluation (PMID: 29304759). ClinVar contains an entry for this variant (Variation ID: 3720874). Based on the evidence outlined above, the variant was classified as likely pathogenic.

Labcorp Genetics (formerly Invitae), Labcorp
Classification: Pathogenic for Glycine encephalopathy. Last evaluated: 2024-02-22. Review status: criteria provided, single submitter. Criteria: Invitae Variant Classification Sherloc (09022015). Collection method: clinical testing. Allele origin: germline.
Comment: This sequence change replaces threonine, which is neutral and polar, with alanine, which is neutral and non-polar, at codon 894 of the GLDC protein (p.Thr894Ala). This variant is not present in population databases (gnomAD no frequency). This missense change has been observed in individual(s) with glycine encephalopathy (PMID: 29304759). In at least one individual the data is consistent with being in trans (on the opposite chromosome) from a pathogenic variant. It has also been observed to segregate with disease in related individuals. Advanced modeling of protein sequence and biophysical properties (such as structural, functional, and spatial information, amino acid conservation, physicochemical variation, residue mobility, and thermodynamic stability) performed at Invitae indicates that this missense variant is expected to disrupt GLDC protein function with a positive predictive value of 80%. For these reasons, this variant has been classified as Pathogenic.

Literature cited by the submitters: PubMed 29304759 (cited by Women's Health and Genetics/Laboratory Corporation of America, LabCorp and Labcorp Genetics (formerly Invitae), Labcorp).